The following is an entry in ClinVar:

ClinVar aggregate classification (germline): Pathogenic/Likely pathogenic. Review status: criteria provided, multiple submitters, no conflicts (2 of 4 stars). 5 submissions from 5 submitters: Pathogenic (3); Likely pathogenic (2). Last evaluated 2023-11-06.

Conditions:
Hearing loss, X-linked 1 (DFNX1). Also called: DFNX1 Nonsyndromic Hearing Loss and Deafness; DEAFNESS, X-LINKED 1; DEAFNESS, X-LINKED 2, SENSORINEURAL CONGENITAL; DFNX1 Nonsyndromic Sensorineural Hearing Loss (DFN2). Identifiers: Orphanet 90625, MedGen C1844677, MONDO:0010577, OMIM 304500.
PRPS1-related disorder. Also called: PRPS1-related condition.
Charcot-Marie-Tooth Neuropathy X. Identifiers: MedGen CN118851.

Submissions (5):

Labcorp Genetics (formerly Invitae), Labcorp
Classification: Pathogenic for Charcot-Marie-Tooth Neuropathy X. Last evaluated: 2023-11-06. Review status: criteria provided, single submitter. Criteria: Invitae Variant Classification Sherloc (09022015). Collection method: clinical testing. Allele origin: germline.
Comment: This sequence change replaces arginine, which is basic and polar, with tryptophan, which is neutral and slightly polar, at codon 84 of the PRPS1 protein (p.Arg84Trp). This variant is not present in population databases (gnomAD no frequency). This missense change has been observed in individual(s) with Arts syndrome and/or clinical features of PRPS-related disease (PMID: 33532242; Invitae). In at least one individual the variant was observed to be de novo. ClinVar contains an entry for this variant (Variation ID: 1208551). Advanced modeling of protein sequence and biophysical properties (such as structural, functional, and spatial information, amino acid conservation, physicochemical variation, residue mobility, and thermodynamic stability) performed at Invitae indicates that this missense variant is expected to disrupt PRPS1 protein function with a positive predictive value of 80%. For these reasons, this variant has been classified as Pathogenic.

GeneDx
Classification: Pathogenic. Last evaluated: 2023-06-15. Review status: criteria provided, single submitter. Criteria: GeneDx Variant Classification Process June 2021. Collection method: clinical testing. Allele origin: germline. Affected: yes.
Comment: Not observed at significant frequency in large population cohorts (gnomAD); In silico analysis supports that this missense variant has a deleterious effect on protein structure/function; This variant is associated with the following publications: (PMID: 33532242)

CeGaT Center for Human Genetics Tuebingen
Classification: Pathogenic. Last evaluated: 2022-02-01. Review status: criteria provided, single submitter. Criteria: CeGaT Center For Human Genetics Tuebingen Variant Classification Criteria Version 2. Collection method: clinical testing. Allele origin: germline. Affected: yes. Observed: 1 variant allele.

Blueprint Genetics
Classification: Likely pathogenic for PRPS1-related disorders. Last evaluated: 2021-11-05. Review status: criteria provided, single submitter. Criteria: ACMG Guidelines, 2015. Collection method: clinical testing. Allele origin: germline. Affected: yes. Observed: 2 variant alleles.

Clinical Genetics Service, Universitary Hospital 12 de Octubre
Classification: Likely pathogenic for Hearing loss, X-linked 1. Review status: criteria provided, single submitter. Criteria: ACMG Guidelines, 2015. Collection method: clinical testing. Allele origin: germline. Affected: yes.

Literature cited by the submitters: PubMed 33532242 (cited by Labcorp Genetics (formerly Invitae), Labcorp).

NM_002764.4(PRPS1):c.250C>T (p.Arg84Trp)

Gene: PRPS1 (phosphoribosyl pyrophosphate synthetase 1; plus strand). Cytogenetic location: Xq22.3.
Variant type: single nucleotide variant.
Coding change: c.250C>T on transcript NM_002764.4 (MANE Select); coding-DNA position 250, C replaced by T.
Protein change: p.Arg84Trp; replaces arginine 84 with tryptophan.
Molecular consequence: missense variant. On other transcripts: intron variant (1).
Genome position (GRCh38, 1-based): chrX:107,639,422, C>T. VCF-style: chrX-107639422-C-T. GRCh37 (hg19) VCF-style: chrX-106882652-C-T.
Other names: c.-82-5755C>T (NM_001204402.2); short protein forms R84W.
Identifiers: ClinVar variation 1208551 (VCV001208551.47), dbSNP rs2147681484, ClinGen allele CA413805362.